The following is an entry in ClinVar:

NM_001042492.3(NF1):c.526G>A (p.Asp176Asn)

Gene: NF1 (neurofibromin 1; plus strand). Cytogenetic location: 17q11.2.
Variant type: single nucleotide variant.
Coding change: c.526G>A on transcript NM_001042492.3 (MANE Select); coding-DNA position 526, G replaced by A.
Protein change: p.Asp176Asn; replaces aspartic acid 176 with asparagine.
Molecular consequence: missense variant.
Genome position (GRCh38, 1-based): chr17:31,169,937, G>A. VCF-style: chr17-31169937-G-A. GRCh37 (hg19) VCF-style: chr17-29496955-G-A.
Other names: c.526G>A, p.Asp176Asn (NM_000267.4, NM_001128147.3); short protein forms D176N.
Identifiers: ClinVar variation 3404724 (VCV003404724.2).

ClinVar aggregate classification (germline): Uncertain significance. Review status: criteria provided, multiple submitters, no conflicts (2 of 4 stars). 2 submissions from 2 submitters: Uncertain significance (2). Last evaluated 2025-04-02.

Conditions:
Neurofibromatosis, type 1 (NF1). Also called: NEUROFIBROMATOSIS, TYPE I, SOMATIC; Neurofibromatosis, type I; Peripheral type neurofibromatosis; VON RECKLINGHAUSEN DISEASE. Identifiers: Orphanet 636, MedGen C0027831, MONDO:0018975, OMIM 162200. Disease mechanism: loss of function.
Hereditary cancer-predisposing syndrome. Also called: Hereditary Cancer Syndrome; Hereditary neoplastic syndrome; Neoplastic Syndromes, Hereditary; Tumor predisposition. Identifiers: Orphanet 140162, MedGen C0027672, MeSH D009386, MONDO:0015356.
Cardiovascular phenotype. Identifiers: MedGen CN230736.

Submissions (2):

Labcorp Genetics (formerly Invitae), Labcorp
Classification: Uncertain significance for Neurofibromatosis, type 1. Last evaluated: 2025-04-02. Review status: criteria provided, single submitter. Criteria: Invitae Variant Classification Sherloc (09022015). Collection method: clinical testing. Allele origin: germline.
Comment: This sequence change replaces aspartic acid, which is acidic and polar, with asparagine, which is neutral and polar, at codon 176 of the NF1 protein (p.Asp176Asn). This variant is not present in population databases (gnomAD no frequency). This variant has not been reported in the literature in individuals affected with NF1-related conditions. ClinVar contains an entry for this variant (Variation ID: 3404724). Invitae Evidence Modeling of protein sequence and biophysical properties (such as structural, functional, and spatial information, amino acid conservation, physicochemical variation, residue mobility, and thermodynamic stability) indicates that this missense variant is expected to disrupt NF1 protein function with a positive predictive value of 95%. In summary, the available evidence is currently insufficient to determine the role of this variant in disease. Therefore, it has been classified as a Variant of Uncertain Significance.

Ambry Genetics
Classification: Uncertain significance for Cardiovascular phenotype; Hereditary cancer-predisposing syndrome. Last evaluated: 2024-08-27. Review status: criteria provided, single submitter. Criteria: Ambry Variant Classification Scheme 2023. Collection method: clinical testing. Allele origin: germline.
Comment: The p.D176N variant (also known as c.526G>A), located in coding exon 5 of the NF1 gene, results from a G to A substitution at nucleotide position 526. The aspartic acid at codon 176 is replaced by asparagine, an amino acid with highly similar properties. This amino acid position is conserved. In addition, the in silico prediction for this alteration is inconclusive. Based on the available evidence, the clinical significance of this variant remains unclear.